The following is an entry in ClinVar:

ClinVar aggregate classification (germline): Uncertain significance. Review status: criteria provided, multiple submitters, no conflicts (2 of 4 stars). 2 submissions from 2 submitters: Uncertain significance (2). Last evaluated 2025-04-30.

Conditions:
Cardiomyopathy (CMYO). Also called: Cardiomyopathies. Identifiers: Orphanet 167848, MedGen C0878544, MONDO:0004994, HP:0001638. Inheritance: Various modes of inheritance.
Atrial septal defect 5 (ASD5). Identifiers: Orphanet 1478, MedGen C2748552, MONDO:0013011, OMIM 612794.
Dilated cardiomyopathy 1R (CMD1R). Identifiers: Orphanet 154, Orphanet 54260, MedGen C3150681, MONDO:0013261, OMIM 613424.
Hypertrophic cardiomyopathy 11. Also called: ACTC1-Related Familial Hypertrophic Cardiomyopathy. Identifiers: MedGen C2677506, MONDO:0012799, OMIM 612098.

Allele frequency attached by ClinVar (database versions not stated): gnomAD exomes below 0.00001 and 0.00002; ExAC 0.00002; TOPMed 0.00002.

Submissions (2):

Labcorp Genetics (formerly Invitae), Labcorp
Classification: Uncertain significance for Dilated cardiomyopathy 1R; Hypertrophic cardiomyopathy 11; Atrial septal defect 5. Last evaluated: 2025-04-30. Review status: criteria provided, single submitter. Criteria: Invitae Variant Classification Sherloc (09022015). Collection method: clinical testing. Allele origin: germline.
Comment: This sequence change replaces threonine, which is neutral and polar, with serine, which is neutral and polar, at codon 7 of the ACTC1 protein (p.Thr7Ser). This variant is present in population databases (rs746748461, gnomAD 0.003%). This variant has not been reported in the literature in individuals affected with ACTC1-related conditions. ClinVar contains an entry for this variant (Variation ID: 919640). An algorithm developed to predict the effect of missense changes on protein structure and function (PolyPhen-2) suggests that this variant is likely to be tolerated. In summary, the available evidence is currently insufficient to determine the role of this variant in disease. Therefore, it has been classified as a Variant of Uncertain Significance.

Color Diagnostics, LLC DBA Color Health
Classification: Uncertain significance for Cardiomyopathy. Last evaluated: 2023-12-04. Review status: criteria provided, single submitter. Criteria: ACMG Guidelines, 2015. Collection method: clinical testing. Allele origin: germline.
Comment: This missense variant replaces threonine with serine at codon 7 of the ACTC1 protein. Computational prediction suggests that this variant may not impact protein structure and function (internally defined REVEL score threshold <= 0.5, PMID: 27666373). To our knowledge, functional studies have not been reported for this variant. This variant has not been reported in individuals affected with ACTC1-related disorders in the literature. This variant has been identified in 5/281968 chromosomes in the general population by the Genome Aggregation Database (gnomAD). The available evidence is insufficient to determine the role of this variant in disease conclusively. Therefore, this variant is classified as a Variant of Uncertain Significance.

NM_005159.5(ACTC1):c.19A>T (p.Thr7Ser)

Genes: ACTC1 (actin alpha cardiac muscle 1; minus strand), GJD2-DT (GJD2 divergent transcript; plus strand). Cytogenetic location: 15q14.
Variant type: single nucleotide variant.
Coding change: c.19A>T on transcript NM_005159.5 (MANE Select); coding-DNA position 19, A replaced by T.
Protein change: p.Thr7Ser; replaces threonine 7 with serine.
Molecular consequence: missense variant.
Genome position (GRCh38, 1-based): chr15:34,794,790, T>A on the plus strand (A>T on the coding strand, the complement: ACTC1 is on the minus strand). VCF-style: chr15-34794790-T-A. GRCh37 (hg19) VCF-style: chr15-35086991-T-A.
Other names: short protein forms T7S.
Identifiers: ClinVar variation 919640 (VCV000919640.7), dbSNP rs746748461, ClinGen allele CA041208.
Genomic context (GRCh38, chr15:34,794,790, plus strand): 5'-CATCGCCCGCAAAGCCGGCCTTCACCAGCCCAGAGCCGTTGTCGCACACCAGGGCGGTGG[T>A]CTCCTCGTCGTCACACATCTTGGCACAGCTTCAGGGGGTTCTGCAGGTTGAGGAGGGGAG-3'
Protein context (NP_005150.1, residues 1-17): MCDDEE[Thr7Ser]TALVCDNGSG